The following is an entry in ClinVar:

NM_153704.6(TMEM67):c.1050A>C (p.Glu350Asp)

Gene: TMEM67 (transmembrane protein 67; plus strand). Cytogenetic location: 8q22.1.
Variant type: single nucleotide variant.
Coding change: c.1050A>C on transcript NM_153704.6 (MANE Select); coding-DNA position 1050, A replaced by C.
Protein change: p.Glu350Asp; replaces glutamic acid 350 with aspartic acid.
Molecular consequence: missense variant. On other transcripts: non-coding transcript variant (1).
Genome position (GRCh38, 1-based): chr8:93,781,729, A>C. VCF-style: chr8-93781729-A-C. GRCh37 (hg19) VCF-style: chr8-94793957-A-C.
Other names: c.807A>C, p.Glu269Asp (NM_001142301.1); short protein forms E350D, E269D.
Identifiers: ClinVar variation 1409153 (VCV001409153.6), dbSNP rs1813838328, ClinGen allele CA371688985.

ClinVar aggregate classification (germline): Uncertain significance (1 of 4 stars; one submission).

Conditions:
Joubert syndrome. Also called: CEREBELLOPARENCHYMAL DISORDER IV; JOUBERT-BOLTSHAUSER SYNDROME; Familial aplasia of the vermis. Identifiers: Orphanet 475, MedGen C5979921, MONDO:0018772.
Meckel-Gruber syndrome. Also called: DYSENCEPHALIA SPLANCHNOCYSTICA; GRUBER SYNDROME; Dysencephalia splachnocystica. Identifiers: Orphanet 564, MedGen C0265215, MONDO:0018921.

Allele frequency attached by ClinVar (database versions not stated): gnomAD exomes below 0.00001.
gnomAD v4.1: 1 of 1,605,386 alleles (0.000062%); highest among the groups gnomAD compares: Admixed American, 0.0017%; no homozygotes.

Submission:

Labcorp Genetics (formerly Invitae), Labcorp
Classification: Uncertain significance for Joubert syndrome; Meckel-Gruber syndrome. Last evaluated: 2024-11-11. Review status: criteria provided, single submitter. Criteria: Invitae Variant Classification Sherloc (09022015). Collection method: clinical testing. Allele origin: germline.
Comment: This sequence change replaces glutamic acid, which is acidic and polar, with aspartic acid, which is acidic and polar, at codon 350 of the TMEM67 protein (p.Glu350Asp). This variant is not present in population databases (gnomAD no frequency). This variant has not been reported in the literature in individuals affected with TMEM67-related conditions. ClinVar contains an entry for this variant (Variation ID: 1409153). Invitae Evidence Modeling of protein sequence and biophysical properties (such as structural, functional, and spatial information, amino acid conservation, physicochemical variation, residue mobility, and thermodynamic stability) indicates that this missense variant is expected to disrupt TMEM67 protein function with a positive predictive value of 95%. In summary, the available evidence is currently insufficient to determine the role of this variant in disease. Therefore, it has been classified as a Variant of Uncertain Significance.